The following is an entry in ClinVar:

ClinVar aggregate classification (germline): Pathogenic (1 of 4 stars; one submission).

Allele frequency attached by ClinVar (database versions not stated): ExAC 0.00001; gnomAD 0.00001; gnomAD exomes 0.00001; TOPMed 0.00001.

Submission:

GeneDx
Classification: Pathogenic. Last evaluated: 2018-06-04. Review status: criteria provided, single submitter. Criteria: GeneDx Variant Classification (06012015). Collection method: clinical testing. Allele origin: germline. Affected: yes.
Comment: The c.1092dupA variant has not been reported previously as a pathogenic variant nor as a benign variant, to our knowledge. The c.1092dupA variant causes a frameshift starting with codon Glutamic acid, changes this amino acid to an Arginine residue, and creates a premature Stop codon at position 365 of the new reading frame, denoted p.Glu365ArgfsX5. This variant is predicted to cause loss of normal protein function either through protein truncation or nonsense-mediated mRNA decay. The c.1092dupA variant is not observed in large population cohorts (Lek et al., 2016). We interpret c.1092dupAas a pathogenic variant.

NM_001048166.1(STIL):c.1092dup (p.Glu365fs)

Gene: STIL (STIL centriolar assembly protein; minus strand). Cytogenetic location: 1p33.
Variant type: Duplication.
Coding change: c.1092dup on transcript NM_001048166.1 (MANE Select); coding-DNA position 1092, one base duplicated (A; older notation c.1092dupA).
Protein change: p.Glu365fs; shifts the reading frame from glutamic acid 365.
Molecular consequence: frameshift variant.
Genome position (GRCh38, 1-based): chr1:47,287,592, T duplicated on the plus strand (A on the coding strand, the reverse complement: STIL is on the minus strand). VCF-style (leftmost placement, unchanged base first): chr1-47287591-C-CT. GRCh37 (hg19) VCF-style: chr1-47753263-C-CT.
Other names: c.1092dup, p.Glu365fs (NM_001282936.1, NM_001282937.1, NM_003035.2); c.951dup, p.Glu318fs (NM_001282938.1, NM_001282939.1); c.1092dupA (NM_003035.2); short protein forms E318fs, E365fs.
Identifiers: ClinVar variation 546578 (VCV000546578.2), dbSNP rs767408811, ClinGen allele CA842435.